The following is an entry in ClinVar:

ClinVar aggregate classification (germline): Uncertain significance (1 of 4 stars; one submission).

Allele frequency attached by ClinVar (database versions not stated): TOPMed below 0.00001; gnomAD 0.00001; gnomAD exomes 0.00001; ExAC 0.00004.
gnomAD v4.1: 5 of 1,614,030 alleles (0.00031%); highest among the groups gnomAD compares: East Asian, 0.0089%; no homozygotes.

Submission:

Ambry Genetics
Classification: Uncertain significance. Last evaluated: 2024-03-04. Review status: criteria provided, single submitter. Criteria: Ambry Variant Classification Scheme 2023. Collection method: clinical testing. Allele origin: germline.
Comment: The p.P508A variant (also known as c.1522C>G), located in coding exon 13 of the NPAT gene, results from a C to G substitution at nucleotide position 1522. The proline at codon 508 is replaced by alanine, an amino acid with highly similar properties. This amino acid position is conserved. In addition, the in silico prediction for this alteration is inconclusive. Since supporting evidence is limited at this time, the clinical significance of this alteration remains unclear.

NM_002519.3(NPAT):c.1522C>G (p.Pro508Ala)

Gene: NPAT (nuclear protein, coactivator of histone transcription; minus strand). Cytogenetic location: 11q22.3.
Variant type: single nucleotide variant.
Coding change: c.1522C>G on transcript NM_002519.3 (MANE Select); coding-DNA position 1522, C replaced by G.
Protein change: p.Pro508Ala; replaces proline 508 with alanine.
Molecular consequence: missense variant.
Genome position (GRCh38, 1-based): chr11:108,173,462, G>C on the plus strand (C>G on the coding strand, the complement: NPAT is on the minus strand). VCF-style: chr11-108173462-G-C. GRCh37 (hg19) VCF-style: chr11-108044189-G-C.
Other names: c.1522C>G, p.Pro508Ala (NM_001321307.1); short protein forms P508A.
Identifiers: ClinVar variation 1774456 (VCV001774456.2), dbSNP rs750186277, ClinGen allele CA6263974.